The following is an entry in ClinVar:

ClinVar aggregate classification (germline): Uncertain significance. Review status: criteria provided, multiple submitters, no conflicts (2 of 4 stars). 13 submissions from 13 submitters: Uncertain significance (11). 2 of the submissions do not count toward it. Last evaluated 2026-08-06.

Conditions:
ATM-related cancer predisposition. Also called: ATM-related cancer susceptibility. Identifiers: MedGen CN377759, MONDO:0700270.
Hereditary cancer-predisposing syndrome. Also called: Tumor predisposition; Hereditary neoplastic syndrome; Neoplastic Syndromes, Hereditary; Hereditary Cancer Syndrome. Identifiers: Orphanet 140162, MedGen C0027672, MeSH D009386, MONDO:0015356.
Familial cancer of breast. Also called: hereditary breast carcinoma; Hereditary breast cancer; BREAST CANCER, FAMILIAL. Identifiers: Orphanet 227535, MedGen C0346153, MONDO:0016419, OMIM 114480. Disease mechanism: loss of function.
Ataxia-telangiectasia syndrome (AT). Also called: Ataxia-telangiectasia, complementation group D; AT, COMPLEMENTATION GROUP C; ATAXIA-TELANGIECTASIA, COMPLEMENTATION GROUP A; ATAXIA-TELANGIECTASIA, FRESNO VARIANT; Ataxia-telangiectasia; Ataxia telangiectasia (A-T). Identifiers: Orphanet 100, MedGen C0004135, MONDO:0008840, OMIM 208900.

Allele frequency attached by ClinVar (database versions not stated): gnomAD 0.00001; gnomAD exomes 0.00002 and 0.00001; ESP Exome Variant Server 0.00008; ExAC 0.00002; TOPMed 0.00002.
gnomAD v4.1: 18 of 1,613,346 alleles (0.0011%); highest among the groups gnomAD compares: East Asian, 0.013%; no homozygotes.

Submissions (13):

OLLIN Analises Genomicas, OLLIN
Classification: Uncertain significance for Familial cancer of breast. Last evaluated: 2026-08-06. Review status: criteria provided, single submitter. Criteria: ACMG Guidelines 2015 PMID 25741868. Collection method: clinical testing. Allele origin: germline. Inheritance: Autosomal recessive inheritance.
Comment: This missense variant, located in exon 2 (of 63), has been reported in ClinVar (accession VCV000824233.14) and in gnomAD with an allele frequency of 0.0011%. However, to our knowledge, it has not been reported in the scientific literature. In silico analysis predicts that this variant has a tolerated effect. According to the currently available evidence, this variant has been classified as uncertain significance (BP4).

Dasa
Classification: Uncertain significance for ATM-related cancer predisposition. Last evaluated: 2026-03-27. Review status: criteria provided, single submitter. Criteria: DASA Assertion Criteria. Collection method: clinical testing. Allele origin: germline.
Comment: NM_000051.4(ATM):c.37C>T (p.Arg13Cys) is a missense variant that results in the substitution of arginine with cysteine. This variant is rare in population databases. Computational prediction algorithms are consistent with a deleterious effect. The currently available literature and clinical evidence are not sufficient to establish a definitive association between this variant and the reported condition. Therefore, this variant is classified as a variant of uncertain significance.

Labcorp Genetics (formerly Invitae), Labcorp
Classification: Uncertain significance for Ataxia-telangiectasia syndrome. Last evaluated: 2025-12-20. Review status: criteria provided, single submitter. Criteria: Invitae Variant Classification Sherloc (09022015). Collection method: clinical testing. Allele origin: germline.
Comment: This sequence change replaces arginine, which is basic and polar, with cysteine, which is neutral and slightly polar, at codon 13 of the ATM protein (p.Arg13Cys). This variant is present in population databases (rs141586345, gnomAD 0.02%). This missense change has been observed in individual(s) with breast cancer (PMID: 10677309, 17393301, 19781682, 35534704). ClinVar contains an entry for this variant (Variation ID: 185977). Invitae Evidence Modeling of protein sequence and biophysical properties (such as structural, functional, and spatial information, amino acid conservation, physicochemical variation, residue mobility, and thermodynamic stability) indicates that this missense variant is not expected to disrupt ATM protein function with a negative predictive value of 95%. RNA analysis performed to evaluate the impact of this missense change on mRNA splicing indicates it does not significantly alter splicing (internal data). In summary, the available evidence is currently insufficient to determine the role of this variant in disease. Therefore, it has been classified as a Variant of Uncertain Significance.

GeneDx
Classification: Uncertain significance. Last evaluated: 2025-04-24. Review status: criteria provided, single submitter. Criteria: GeneDx Variant Classification Process June 2021. Collection method: clinical testing. Allele origin: germline. Affected: yes.
Comment: Observed in individuals with breast, prostate, and pancreatic cancer, but also seen in unaffected controls (PMID: 10677309, 17393301, 19781682, 29667044, 35534704, 36243179, 31214711, 33471991); In silico analysis supports that this missense variant has a deleterious effect on protein structure/function; This variant is associated with the following publications: (PMID: 26247737, 19781682, 17393301, 10677309, 30197789, 29922827, 30287823, 29667044, 35534704, 35402282, 31214711, 36243179, 33471991)

Institute for Biomarker Research, Medical Diagnostic Laboratories, L.L.C.
Classification: Uncertain significance for Hereditary cancer-predisposing syndrome. Last evaluated: 2025-01-20. Review status: criteria provided, single submitter. Criteria: ACMG Guidelines, 2015. Collection method: clinical testing. Allele origin: germline.
Comment: The missense variant NM_000051.4(ATM):c.37C>T (p.Arg13Cys) has not been reported previously as a pathogenic variant nor as a benign variant, to our knowledge. There is a large physicochemical difference between arginine and cysteine, which is likely to impact secondary protein structure as these residues differ in polarity, charge, size and/or other properties. The gene ATM has a low rate of benign missense variation as indicated by a high missense variants Z-Score of 2.52. The gene ATM contains 171 pathogenic missense variants, indicating that missense variants are a common mechanism of disease in this gene. The p.Arg13Cys missense variant is predicted to be damaging by both SIFT and PolyPhen2. The nucleotide c.37 in ATM is predicted conserved by GERP++ and PhyloP across 100 vertebrates. For these reasons, this variant has been classified as Uncertain Significance

Ambry Genetics
Classification: Uncertain significance for Hereditary cancer-predisposing syndrome. Last evaluated: 2024-10-26. Review status: criteria provided, single submitter. Criteria: Ambry Variant Classification Scheme 2023. Collection method: clinical testing. Allele origin: germline.
Comment: The p.R13C variant (also known as c.37C>T), located in coding exon 1 of the ATM gene, results from a C to T substitution at nucleotide position 37. The arginine at codon 13 is replaced by cysteine, an amino acid with highly dissimilar properties. This alteration has been identified in multiple breast cancer cohorts, as well as, in controls (Broeks A et al. Breast Cancer Res Treat. 2008 Jan;107(2):243-8; Momozawa Y et al. Nat Commun. 2018 10;9:4083; Abdel-Razeq H et al. Front Oncol, 2022 Mar;12:673094). This alteration has also been reported with a carrier frequency of 0.00065 in 7,636 unselected prostate cancer patients and 0.00008 in 12,366 male controls of Japanese ancestry (Momozawa Y et al. J Natl Cancer Inst, 2020 04;112:369-376). Additionally, this alteration was reported in a cohort of patients diagnosed with pancreatic ductal adenocarcinoma (Ohmoto A et al. J Gastroenterol. 2018 Oct;53:1159-1167). This amino acid position is well conserved in available vertebrate species. In addition, the in silico prediction for this alteration is inconclusive. Since supporting evidence is limited at this time, the clinical significance of this alteration remains unclear.

Color Diagnostics, LLC DBA Color Health
Classification: Uncertain significance for Hereditary cancer-predisposing syndrome. Last evaluated: 2024-07-09. Review status: criteria provided, single submitter. Criteria: ACMG Guidelines, 2015. Collection method: clinical testing. Allele origin: germline.
Comment: This missense variant replaces arginine with cysteine at codon 13 of the ATM protein. Computational prediction suggests that this variant may not impact protein structure and function (internally defined REVEL score threshold <= 0.5, PMID: 27666373). To our knowledge, functional studies have not been reported for this variant. The variant has been observed in individuals affected with breast cancer (PMID: 17393301, 19781682, 33471991, 35402282), in an individual with personal or family history of pancreatic cancer (PMID: 29667044), and in multiple unaffected individuals (PMID: 30287823, 33471991). This variant has been identified in 5/251386 chromosomes in the general population by the Genome Aggregation Database (gnomAD). The available evidence is insufficient to determine the role of this variant in disease conclusively. Therefore, this variant is classified as a Variant of Uncertain Significance.

Quest Diagnostics Nichols Institute San Juan Capistrano
Classification: Uncertain significance. Last evaluated: 2024-05-08. Review status: criteria provided, single submitter. Criteria: Quest Diagnostics criteria. Collection method: clinical testing. Allele origin: unknown.

Blueprint Genetics
Classification: Uncertain significance. Last evaluated: 2024-03-09. Review status: criteria provided, single submitter. Criteria: ACMG Guidelines, 2015. Collection method: clinical testing. Allele origin: germline.

Baylor Genetics
Classification: Uncertain significance for Familial cancer of breast. Last evaluated: 2023-08-17. Review status: criteria provided, single submitter. Criteria: ACMG Guidelines, 2015. Collection method: clinical testing. Allele origin: unknown.

Women's Health and Genetics/Laboratory Corporation of America, LabCorp
Classification: Uncertain significance. Last evaluated: 2020-09-10. Review status: criteria provided, single submitter. Criteria: LabCorp Variant Classification Summary - May 2015. Collection method: clinical testing. Allele origin: germline.
Comment: Variant summary: ATM c.37C>T (p.Arg13Cys) results in a non-conservative amino acid change located in the Telomere-length maintenance and DNA damage repair domain (IPR021668) of the encoded protein sequence. Three of five in-silico tools predict a benign effect of the variant on protein function. The variant allele was found at a frequency of 2.6e-05 in 303338 control chromosomes (gnomAD and publications). The available data on variant occurrences in the general population are insufficient to allow any conclusion about variant significance. c.37C>T has been reported in the literature in individuals affected with breast cancer, pancreatic ductal adenocarcinoma and chronic lymphocytic leukemia (Ohmoto_2018, te Raa_2015, Tavtigian_2009, Broeks_2008). These reports however, do not provide unequivocal conclusions about association of the variant with Breast Cancer. To our knowledge, no experimental evidence demonstrating an impact on protein function has been reported. Five other ClinVar submitters (evaluation after 2014) cite the variant as uncertain significance. Based on the evidence outlined above, the variant was classified as uncertain significance.

Natera, Inc.
Classification: Uncertain significance for Ataxia-telangiectasia. Last evaluated: 2020-09-28. Review status: no assertion criteria provided. Collection method: clinical testing. Allele origin: germline. Not counted in ClinVar's aggregate classification.

Counsyl
Classification: Uncertain significance for Ataxia-telangiectasia syndrome. Last evaluated: 2017-06-08. Review status: no assertion criteria provided. Collection method: clinical testing. Allele origin: unknown. Not counted in ClinVar's aggregate classification.

Literature cited by the submitters: PubMed 10677309 (cited by 3 submitters); PubMed 17393301 (cited by 4 submitters); PubMed 19781682 (cited by 5 submitters); PubMed 35534704 (cited by Labcorp Genetics (formerly Invitae), Labcorp and Quest Diagnostics Nichols Institute San Juan Capistrano); PubMed 29667044 (cited by 4 submitters); PubMed 30287823 (cited by 4 submitters); PubMed 31214711 (cited by Ambry Genetics and Quest Diagnostics Nichols Institute San Juan Capistrano); PubMed 35402282 (cited by 3 submitters); PubMed 33471991 (cited by Color Diagnostics, LLC DBA Color Health); PubMed 36243179 (cited by Quest Diagnostics Nichols Institute San Juan Capistrano); PubMed 33940787 (cited by Quest Diagnostics Nichols Institute San Juan Capistrano); PubMed 26247737 (cited by Women's Health and Genetics/Laboratory Corporation of America, LabCorp).

NM_000051.4(ATM):c.37C>T (p.Arg13Cys)

Gene: ATM (ATM serine/threonine kinase; plus strand). Cytogenetic location: 11q22.3.
Variant type: single nucleotide variant.
Coding change: c.37C>T on transcript NM_000051.4 (MANE Select); coding-DNA position 37, C replaced by T.
Protein change: p.Arg13Cys; replaces arginine 13 with cysteine.
Molecular consequence: missense variant.
Genome position (GRCh38, 1-based): chr11:108,227,661, C>T. VCF-style: chr11-108227661-C-T. GRCh37 (hg19) VCF-style: chr11-108098388-C-T.
Other names: c.37C>T, p.Arg13Cys (NM_001351834.2, NM_001351835.2, NM_001351836.2); short protein forms R13C.
Identifiers: ClinVar variation 185977 (VCV000185977.34), dbSNP rs141586345, ClinGen allele CA193543.